The following is an entry in ClinVar:

NM_007294.4(BRCA1):c.4487C>A (p.Ser1496Ter)

Gene: BRCA1 (BRCA1 DNA repair associated; minus strand). Cytogenetic location: 17q21.31.
Variant type: single nucleotide variant.
Coding change: c.4487C>A on transcript NM_007294.4 (MANE Select); coding-DNA position 4487, C replaced by A.
Protein change: p.Ser1496Ter; replaces serine 1496 with a stop codon.
Molecular consequence: nonsense. On other transcripts: non-coding transcript variant (1).
Genome position (GRCh38, 1-based): chr17:43,074,519, G>T on the plus strand (C>A on the coding strand, the complement: BRCA1 is on the minus strand). VCF-style: chr17-43074519-G-T. GRCh37 (hg19) VCF-style: chr17-41226536-G-T.
Other names: c.4277C>A, p.Ser1426Ter (NM_001407884.1, NM_001407879.1, NM_001407881.1 and 5 more transcripts); c.4223C>A, p.Ser1408Ter (NM_001407925.1, NM_001407926.1, NM_001407920.1 and 4 more transcripts); c.4220C>A, p.Ser1407Ter (NM_001407927.1, NM_001407928.1, NM_001407929.1 and 4 more transcripts); c.4217C>A, p.Ser1406Ter (NM_001407934.1, NM_001407935.1, NM_001407936.1); c.4343C>A, p.Ser1448Ter (NM_001407944.1, NM_001407945.1, NM_001407733.1 and 21 more transcripts); c.4154C>A, p.Ser1385Ter (NM_001407946.1, NM_001407947.1, NM_001407948.1 and 1 more transcripts); c.4151C>A, p.Ser1384Ter (NM_001407950.1, NM_001407951.1, NM_001407952.1 and 3 more transcripts); c.3980C>A, p.Ser1327Ter (NM_001407965.1); and 68 more; short protein forms S1496*, S1449*, S1517*, S392*, S1327*, S1369*, S1384*, S1407*.
Identifiers: ClinVar variation 55215 (VCV000055215.15), dbSNP rs80356953, ClinGen allele CA002883.
Genomic context (GRCh38, chr17:43,074,519, plus strand): 5'-CTCCCAGAGCAACTGTGCATGTACCACCTATCATCTAATGATGGGCATTTAGAAGGGGAT[G>T]ACCTAGAAAGATAAATGGAAGGAGAAAACCATCGCCACCAATTGTGAAAGGACAAATCAT-3'

ClinVar aggregate classification (germline): Pathogenic. Review status: reviewed by expert panel (3 of 4 stars). 6 submissions from 6 submitters: Pathogenic (1). 5 of the submissions do not count toward it. Last evaluated 2016-09-08.

Conditions:
Ovarian neoplasm. Also called: Ovarian Neoplasms; Neoplasm of ovary; Ovarian tumor. Identifiers: MedGen C0919267, MeSH D010051, MONDO:0021068, HP:0100615.
Breast-ovarian cancer, familial, susceptibility to, 1 (BROVCA1). Also called: BRCA1 Hereditary Breast and Ovarian Cancer; OVARIAN CANCER, SUSCEPTIBILITY TO. Identifiers: Orphanet 145, MedGen C2676676, MONDO:0011450, OMIM 604370. Disease mechanism: loss of function.
Familial cancer of breast. Also called: hereditary breast carcinoma; BREAST CANCER, FAMILIAL; Hereditary breast cancer. Identifiers: Orphanet 227535, MedGen C0346153, MONDO:0016419, OMIM 114480. Disease mechanism: loss of function.
Hereditary breast ovarian cancer syndrome. Also called: BRCA1- and BRCA2-Associated Hereditary Breast and Ovarian Cancer; Hereditary breast and ovarian cancer syndrome; Hereditary breast and ovarian cancer syndrome (HBOC); Breast and ovarian cancer; Hereditary breast and/or ovarian cancer syndrome; Hereditary breast and ovarian cancer. Identifiers: Orphanet 145, MedGen C0677776, MeSH D061325, MONDO:0003582. Disease mechanism: loss of function.

Submissions (6):

Evidence-based Network for the Interpretation of Germline Mutant Alleles (ENIGMA)
Classification: Pathogenic for Breast-ovarian cancer, familial, susceptibility to, 1. Last evaluated: 2016-09-08. Review status: reviewed by expert panel. Criteria: ENIGMA BRCA1/2 Classification Criteria (2015). Collection method: curation. Allele origin: germline.
Comment: Variant allele predicted to encode a truncated non-functional protein.

Labcorp Genetics (formerly Invitae), Labcorp
Classification: Pathogenic for Hereditary breast ovarian cancer syndrome. Last evaluated: 2024-05-18. Review status: criteria provided, single submitter. Criteria: Invitae Variant Classification Sherloc (09022015). Collection method: clinical testing. Allele origin: germline. Not counted in ClinVar's aggregate classification.
Comment: This sequence change creates a premature translational stop signal (p.Ser1496*) in the BRCA1 gene. It is expected to result in an absent or disrupted protein product. Loss-of-function variants in BRCA1 are known to be pathogenic (PMID: 20104584). This variant is not present in population databases (gnomAD no frequency). This premature translational stop signal has been observed in individual(s) with personal and/or family history of breast and/or ovarian cancer (PMID: 12698193, 29348823, 31159747). ClinVar contains an entry for this variant (Variation ID: 55215). For these reasons, this variant has been classified as Pathogenic.

Neuberg Centre For Genomic Medicine, NCGM
Classification: Pathogenic for Breast-ovarian cancer, familial, susceptibility to, 1. Last evaluated: 2023-05-20. Review status: criteria provided, single submitter. Criteria: ACMG Guidelines, 2015. Collection method: clinical testing. Allele origin: germline. Inheritance: Autosomal dominant inheritance. Affected: yes. Not counted in ClinVar's aggregate classification.
Comment: The observed stop gained variant c.4487C>A (p.Ser1496Ter) in BRCA1 has been reported in heterozygous state in multiple individuals affected with BRCA1 related disorder (Fleury H et al. 2015; Hirasawa A et al. 2017). The p.Ser1496Ter variant is absent in gnomAD Exomes. This variant has been submitted to the ClinVar database as Pathogenic (multiple submitters). The nucleotide change c.4487C>A in BRCA1 is predicted as conserved by GERP++ and PhyloP across 100 vertebrates. This variant is predicted to cause loss of normal protein function through protein truncation. Loss of function variants have been previously reported to be disease causing. For these reasons, this variant has been classified as Pathogenic.

GeneKor MSA
Classification: Pathogenic for Hereditary Breast Carcinoma. Last evaluated: 2020-01-01. Review status: criteria provided, single submitter. Criteria: ACMG Guidelines, 2015. Collection method: clinical testing. Allele origin: germline. Affected: yes. Not counted in ClinVar's aggregate classification.
Comment: This sequence change creates a premature translational stop signal at codon 1496 of the BRCA1 protein. It is expected to result in an absent or disrupted protein product. Truncating variants in BRCA1 are known to be pathogenic. This particular variant has been described in the mutation database ClinVar (Variation ID: 55215).

German Consortium for Hereditary Breast and Ovarian Cancer, University Hospital Cologne
Classification: Pathogenic for Ovarian neoplasm. Last evaluated: 2018-12-01. Review status: no assertion criteria provided. Collection method: research. Allele origin: somatic. Affected: yes. Not counted in ClinVar's aggregate classification.

Breast Cancer Information Core (BIC) (BRCA1)
Classification: Pathogenic for Breast-ovarian cancer, familial 1. Last evaluated: 2002-05-29. Review status: no assertion criteria provided. Collection method: clinical testing. Allele origin: germline. Affected: yes. Observed: 2 variant alleles. Not counted in ClinVar's aggregate classification.

Literature cited by the submitters: PubMed 20104584 (cited by Labcorp Genetics (formerly Invitae), Labcorp); PubMed 12698193 (cited by Labcorp Genetics (formerly Invitae), Labcorp); PubMed 29348823 (cited by Labcorp Genetics (formerly Invitae), Labcorp); PubMed 31159747 (cited by Labcorp Genetics (formerly Invitae), Labcorp).